The following is an entry in ClinVar:

NM_014780.5(CUL7):c.4295-14C>A

Gene: CUL7 (cullin 7; minus strand). Cytogenetic location: 6p21.1.
Variant type: single nucleotide variant.
Coding change: c.4295-14C>A on transcript NM_014780.5 (MANE Select); 14 bases into the intron before coding-DNA position 4295, C replaced by A.
Molecular consequence: intron variant.
Genome position (GRCh38, 1-based): chr6:43,039,001, G>T on the plus strand (C>A on the coding strand, the complement: CUL7 is on the minus strand). VCF-style: chr6-43039001-G-T. GRCh37 (hg19) VCF-style: chr6-43006739-G-T.
Other names: c.4391-14C>A (NM_001168370.2, NM_001374872.1); c.4292-14C>A (NM_001374874.1); c.4295-14C>A (NM_001374873.1).
Identifiers: ClinVar variation 356826 (VCV000356826.15), dbSNP rs144154816, ClinGen allele CA3813245.

ClinVar aggregate classification (germline): Benign/Likely benign. Review status: criteria provided, multiple submitters, no conflicts (2 of 4 stars). 4 submissions from 4 submitters: Benign (3); Likely benign (1). Last evaluated 2026-05-09.

Conditions:
3M syndrome 1. Also called: 3-M Syndrome, CUL7-Related. Identifiers: Orphanet 2616, MedGen C2678312, MONDO:0010117, OMIM 273750.

Allele frequency attached by ClinVar (database versions not stated): 1000 Genomes Project 0.00579; 1000 Genomes Project 30x 0.00593; ESP Exome Variant Server 0.01376; TOPMed 0.01383.
gnomAD v4.1: 29,145 of 1,586,500 alleles (1.8%); highest among the groups gnomAD compares: Non-Finnish European, 2.1%; 355 homozygotes.

Submissions 1 to 31 of 53:

Women's Health and Genetics/Laboratory Corporation of America, LabCorp
Classification: Benign. Last evaluated: 2026-05-09. Review status: criteria provided, single submitter. Criteria: LabCorp Variant Classification Summary - May 2015. Collection method: clinical testing. Allele origin: germline.

Labcorp Genetics (formerly Invitae), Labcorp
Classification: Benign. Last evaluated: 2026-02-04. Review status: criteria provided, single submitter. Criteria: Invitae Variant Classification Sherloc (09022015). Collection method: clinical testing. Allele origin: germline.

Blueprint Genetics
Classification: Likely benign. Last evaluated: 2024-11-26. Review status: criteria provided, single submitter. Criteria: ACMG Guidelines, 2015. Collection method: clinical testing. Allele origin: germline.

Illumina Laboratory Services, Illumina
Classification: Benign for 3M syndrome 1. Last evaluated: 2018-01-12. Review status: criteria provided, single submitter. Criteria: ICSL Variant Classification Criteria 13 December 2019. Collection method: clinical testing. Allele origin: germline.
Comment: This variant was observed in the ICSL laboratory as part of a predisposition screen in an ostensibly healthy population. It had not been previously curated by ICSL or reported in the Human Gene Mutation Database (HGMD: prior to June 1st, 2018), and was therefore a candidate for classification through an automated scoring system. Utilizing variant allele frequency, disease prevalence and penetrance estimates, and inheritance mode, an automated score was calculated to assess if this variant is too frequent to cause the disease. Based on the score and internal cut-off values, a variant classified as benign is not then subjected to further curation. The score for this variant resulted in a classification of benign for this disease.

Dr. Peter K. Rogan Lab, Western University
No classification provided (evidence only). Condition: Lung cancer. Review status: no classification provided. Collection method: in vitro. Allele origin: not applicable. Functional consequence: retained intron. Not counted in ClinVar's aggregate classification.

Dr. Peter K. Rogan Lab, Western University
No classification provided (evidence only). Condition: Lung cancer. Review status: no classification provided. Collection method: in vitro. Allele origin: not applicable. Functional consequence: retained intron. Not counted in ClinVar's aggregate classification.

Dr. Peter K. Rogan Lab, Western University
No classification provided (evidence only). Condition: Lung cancer. Review status: no classification provided. Collection method: in vitro. Allele origin: not applicable. Functional consequence: retained intron. Not counted in ClinVar's aggregate classification.

Dr. Peter K. Rogan Lab, Western University
No classification provided (evidence only). Condition: Lung cancer. Review status: no classification provided. Collection method: in vitro. Allele origin: not applicable. Functional consequence: retained intron. Not counted in ClinVar's aggregate classification.

Dr. Peter K. Rogan Lab, Western University
No classification provided (evidence only). Condition: Lung cancer. Review status: no classification provided. Collection method: in vitro. Allele origin: not applicable. Functional consequence: retained intron. Not counted in ClinVar's aggregate classification.

Dr. Peter K. Rogan Lab, Western University
No classification provided (evidence only). Condition: Familial cancer of breast. Review status: no classification provided. Collection method: in vitro. Allele origin: not applicable. Functional consequence: retained intron. Not counted in ClinVar's aggregate classification.

Dr. Peter K. Rogan Lab, Western University
No classification provided (evidence only). Condition: Familial cancer of breast. Review status: no classification provided. Collection method: in vitro. Allele origin: not applicable. Functional consequence: retained intron. Not counted in ClinVar's aggregate classification.

Dr. Peter K. Rogan Lab, Western University
No classification provided (evidence only). Condition: Familial cancer of breast. Review status: no classification provided. Collection method: in vitro. Allele origin: not applicable. Functional consequence: retained intron. Not counted in ClinVar's aggregate classification.

Dr. Peter K. Rogan Lab, Western University
No classification provided (evidence only). Condition: Familial cancer of breast. Review status: no classification provided. Collection method: in vitro. Allele origin: not applicable. Functional consequence: retained intron. Not counted in ClinVar's aggregate classification.

Dr. Peter K. Rogan Lab, Western University
No classification provided (evidence only). Condition: Familial cancer of breast. Review status: no classification provided. Collection method: in vitro. Allele origin: not applicable. Functional consequence: retained intron. Not counted in ClinVar's aggregate classification.

Dr. Peter K. Rogan Lab, Western University
No classification provided (evidence only). Condition: Familial cancer of breast. Review status: no classification provided. Collection method: in vitro. Allele origin: not applicable. Functional consequence: retained intron. Not counted in ClinVar's aggregate classification.

Dr. Peter K. Rogan Lab, Western University
No classification provided (evidence only). Condition: Acute myeloid leukemia. Review status: no classification provided. Collection method: in vitro. Allele origin: not applicable. Functional consequence: retained intron. Not counted in ClinVar's aggregate classification.

Dr. Peter K. Rogan Lab, Western University
No classification provided (evidence only). Condition: Acute myeloid leukemia. Review status: no classification provided. Collection method: in vitro. Allele origin: not applicable. Functional consequence: retained intron. Not counted in ClinVar's aggregate classification.

Dr. Peter K. Rogan Lab, Western University
No classification provided (evidence only). Condition: Uterine corpus endometrial carcinoma. Review status: no classification provided. Collection method: in vitro. Allele origin: not applicable. Functional consequence: retained intron. Not counted in ClinVar's aggregate classification.

Dr. Peter K. Rogan Lab, Western University
No classification provided (evidence only). Condition: Uterine corpus endometrial carcinoma. Review status: no classification provided. Collection method: in vitro. Allele origin: not applicable. Functional consequence: retained intron. Not counted in ClinVar's aggregate classification.

Dr. Peter K. Rogan Lab, Western University
No classification provided (evidence only). Condition: Uterine corpus endometrial carcinoma. Review status: no classification provided. Collection method: in vitro. Allele origin: not applicable. Functional consequence: retained intron. Not counted in ClinVar's aggregate classification.

Dr. Peter K. Rogan Lab, Western University
No classification provided (evidence only). Condition: Cervical cancer. Review status: no classification provided. Collection method: in vitro. Allele origin: not applicable. Functional consequence: retained intron. Not counted in ClinVar's aggregate classification.

Dr. Peter K. Rogan Lab, Western University
No classification provided (evidence only). Condition: Cervical cancer. Review status: no classification provided. Collection method: in vitro. Allele origin: not applicable. Functional consequence: retained intron. Not counted in ClinVar's aggregate classification.

Dr. Peter K. Rogan Lab, Western University
No classification provided (evidence only). Condition: Sarcoma. Review status: no classification provided. Collection method: in vitro. Allele origin: not applicable. Functional consequence: retained intron. Not counted in ClinVar's aggregate classification.

Dr. Peter K. Rogan Lab, Western University
No classification provided (evidence only). Condition: Sarcoma. Review status: no classification provided. Collection method: in vitro. Allele origin: not applicable. Functional consequence: retained intron. Not counted in ClinVar's aggregate classification.

Dr. Peter K. Rogan Lab, Western University
No classification provided (evidence only). Condition: Sarcoma. Review status: no classification provided. Collection method: in vitro. Allele origin: not applicable. Functional consequence: retained intron. Not counted in ClinVar's aggregate classification.

Dr. Peter K. Rogan Lab, Western University
No classification provided (evidence only). Condition: Sarcoma. Review status: no classification provided. Collection method: in vitro. Allele origin: not applicable. Functional consequence: retained intron. Not counted in ClinVar's aggregate classification.

Dr. Peter K. Rogan Lab, Western University
No classification provided (evidence only). Condition: Thymoma. Review status: no classification provided. Collection method: in vitro. Allele origin: not applicable. Functional consequence: retained intron. Not counted in ClinVar's aggregate classification.

Dr. Peter K. Rogan Lab, Western University
No classification provided (evidence only). Condition: Ovarian serous cystadenocarcinoma. Review status: no classification provided. Collection method: in vitro. Allele origin: not applicable. Functional consequence: retained intron. Not counted in ClinVar's aggregate classification.

Dr. Peter K. Rogan Lab, Western University
No classification provided (evidence only). Condition: Ovarian serous cystadenocarcinoma. Review status: no classification provided. Collection method: in vitro. Allele origin: not applicable. Functional consequence: retained intron. Not counted in ClinVar's aggregate classification.

Dr. Peter K. Rogan Lab, Western University
No classification provided (evidence only). Condition: Ovarian serous cystadenocarcinoma. Review status: no classification provided. Collection method: in vitro. Allele origin: not applicable. Functional consequence: retained intron. Not counted in ClinVar's aggregate classification.

Dr. Peter K. Rogan Lab, Western University
No classification provided (evidence only). Condition: Ovarian serous cystadenocarcinoma. Review status: no classification provided. Collection method: in vitro. Allele origin: not applicable. Functional consequence: retained intron. Not counted in ClinVar's aggregate classification.